The following is an entry in ClinVar:

ClinVar aggregate classification (germline): Likely pathogenic (1 of 4 stars; one submission).

Conditions:
Bietti crystalline corneoretinal dystrophy (BCD). Also called: BIETTI TAPETORETINAL DEGENERATION WITH MARGINAL CORNEAL DYSTROPHY; Bietti Crystalline Dystrophy. Identifiers: Orphanet 41751, MedGen C1859486, MONDO:0008865, OMIM 210370.

Submission:

SingHealth Duke-NUS Institute of Precision Medicine
Classification: Likely pathogenic for Bietti crystalline corneoretinal dystrophy. Last evaluated: 2025-02-05. Review status: criteria provided, single submitter. Criteria: PRISM ACMG Classification Criteria. Collection method: clinical testing. Allele origin: germline. Affected: yes.
Comment: Variant is predicted to cause LOF through truncating >10% of the protein, in a gene where LOF is a known cause of pathogenicity (PVS1). Variant is not found in gnomAD genomes and exomes (PM2).

NM_207352.4(CYP4V2):c.1363del (p.Tyr455fs)

Gene: CYP4V2 (cytochrome P450 family 4 subfamily V member 2; plus strand). Cytogenetic location: 4q35.2.
Variant type: Deletion.
Coding change: c.1363del on transcript NM_207352.4 (MANE Select); coding-DNA position 1363, one base deleted (T; older notation c.1363delT).
Protein change: p.Tyr455fs; shifts the reading frame from tyrosine 455.
Molecular consequence: frameshift variant.
Genome position (GRCh38, 1-based): chr4:186,209,230, T deleted. VCF-style (leftmost placement, unchanged base first): chr4-186209229-AT-A. GRCh37 (hg19) VCF-style: chr4-187130383-AT-A.
Other names: short protein forms Y455fs.
Identifiers: ClinVar variation 3767357 (VCV003767357.1).
Genomic context (GRCh38, chr4:186,209,229, plus strand): 5'-CAACCCCGAGGAGTTCCAGCCTGAGCGGTTCTTCCCCGAGAATGCACAAGGGCGCCATCC[AT>A]ATGCCTACGTGCCCTTCTCTGCTGGCCCCAGGAACTGTATAGGTTTGTATCCATCTGAAT-3'